The following is an entry in ClinVar:

NM_000363.5(TNNI3):c.114A>T (p.Lys38Asn)

Gene: TNNI3 (troponin I3, cardiac type; minus strand). Cytogenetic location: 19q13.42.
Variant type: single nucleotide variant.
Coding change: c.114A>T on transcript NM_000363.5 (MANE Select); coding-DNA position 114, A replaced by T.
Protein change: p.Lys38Asn; replaces lysine 38 with asparagine.
Molecular consequence: missense variant.
Genome position (GRCh38, 1-based): chr19:55,156,639, T>A on the plus strand (A>T on the coding strand, the complement: TNNI3 is on the minus strand). VCF-style: chr19-55156639-T-A. GRCh37 (hg19) VCF-style: chr19-55668007-T-A.
Other names: p.K38N:AAA>AAT; c.114A>T (LRG_432t1); short protein forms K38N.
Identifiers: ClinVar variation 181573 (VCV000181573.17), dbSNP rs730881066, ClinGen allele CA021251.

ClinVar aggregate classification (germline): Conflicting classifications of pathogenicity. Review status: criteria provided, conflicting classifications (1 of 4 stars). 7 submissions from 7 submitters: Likely pathogenic (1); Uncertain significance (6). Last evaluated 2025-09-04.

Conditions:
Cardiovascular phenotype. Identifiers: MedGen CN230736.
Cardiomyopathy (CMYO). Also called: Cardiomyopathies. Identifiers: Orphanet 167848, MedGen C0878544, MONDO:0004994, HP:0001638. Inheritance: Various modes of inheritance.
Dilated cardiomyopathy 1FF (CMD1FF). Identifiers: Orphanet 154, MedGen C2750091, MONDO:0013211, OMIM 613286.
Hypertrophic cardiomyopathy. Also called: HYPERTROPHIC MYOCARDIOPATHY. Identifiers: Orphanet 217569, MedGen C0007194, MeSH D002312, MONDO:0005045, HP:0001639.

Allele frequency attached by ClinVar (database versions not stated): gnomAD exomes below 0.00001.
gnomAD v4.1: 5 of 1,564,948 alleles (0.00032%); highest among the groups gnomAD compares: South Asian, 0.0012%; no homozygotes.

Submissions (7):

Color Diagnostics, LLC DBA Color Health
Classification: Uncertain significance for Cardiomyopathy. Last evaluated: 2025-09-04. Review status: criteria provided, single submitter. Criteria: ACMG Guidelines, 2015. Collection method: clinical testing. Allele origin: germline.
Comment: This missense variant replaces lysine with asparagine at codon 38 of the TNNI3 protein. Computational prediction is inconclusive regarding the impact of this variant on protein structure and function. To our knowledge, functional studies have not been reported for this variant. This variant has not been reported in individuals affected with TNNI3-related disorders in the literature. This variant has not been identified in the general population by the Genome Aggregation Database (gnomAD). The available evidence is insufficient to determine the role of this variant in disease conclusively. Therefore, this variant is classified as a Variant of Uncertain Significance.

Labcorp Genetics (formerly Invitae), Labcorp
Classification: Uncertain significance for Hypertrophic cardiomyopathy. Last evaluated: 2024-10-30. Review status: criteria provided, single submitter. Criteria: Invitae Variant Classification Sherloc (09022015). Collection method: clinical testing. Allele origin: germline.
Comment: This sequence change replaces lysine, which is basic and polar, with asparagine, which is neutral and polar, at codon 38 of the TNNI3 protein (p.Lys38Asn). This variant is not present in population databases (gnomAD no frequency). This missense change has been observed in individual(s) with hypertrophic cardiomyopathy (PMID: 25351510). ClinVar contains an entry for this variant (Variation ID: 181573). An algorithm developed to predict the effect of missense changes on protein structure and function (PolyPhen-2) suggests that this variant is likely to be tolerated. In summary, the available evidence is currently insufficient to determine the role of this variant in disease. Therefore, it has been classified as a Variant of Uncertain Significance.

All of Us Research Program, National Institutes of Health
Classification: Uncertain significance for Hypertrophic cardiomyopathy. Last evaluated: 2023-08-15. Review status: criteria provided, single submitter. Criteria: ACMG Guidelines, 2015. Collection method: clinical testing. Allele origin: germline. Inheritance: Autosomal dominant inheritance. Observed: 1 variant allele, 1 heterozygote.
Comment: This missense variant replaces lysine with asparagine at codon 38 of the TNNI3 protein. Computational prediction is inconclusive regarding the impact of this variant on protein structure and function (internally defined REVEL score threshold 0.5 < inconclusive < 0.7, PMID: 27666373). To our knowledge, functional studies have not been reported for this variant. This variant has not been reported in individuals affected with cardiovascular disorders in the literature. This variant has not been identified in the general population by the Genome Aggregation Database (gnomAD). The available evidence is insufficient to determine the role of this variant in disease conclusively. Therefore, this variant is classified as a Variant of Uncertain Significance.

This study involves interpretation of variants in research participants for the purpose of population health screening. Participant phenotype was not available at the time of variant classification. Additional details can be found in publication PMID: 35346344, PMCID: PMC8962531

Victorian Clinical Genetics Services, Murdoch Childrens Research Institute
Classification: Uncertain significance for Dilated cardiomyopathy 1FF. Last evaluated: 2022-02-02. Review status: criteria provided, single submitter. Criteria: ACMG Guidelines, 2015. Collection method: clinical testing. Allele origin: germline. Inheritance: Autosomal dominant inheritance. Affected: no.
Comment: Based on the classification scheme VCGS_Germline_v1.3.4, this variant is classified as VUS-3B. Following criteria are met: 0103 - Gain of function and loss of function are reported mechanisms of disease in this gene. The former is associated with familial restrictive cardiomyopathy 1 (MIM#115210) and hypertrophic cardiomyopathy 7 (MIM#613690), while the latter is associated with dilated cardiomyopathy 1FF (MIM#613286) (PMIDs: 19914256, 21533915). (I) 0108 - This gene is associated with both recessive and dominant disease. The recessive form of inheritance is the exception and has only been reported in a couple of families (PMIDs: 15070570, 23270746). (I) 0112 - The condition associated with this gene has incomplete penetrance (PMID: 15607392). (I) 0115 - Variants in this gene are known to have variable expressivity (PMID: 23270746). (I) 0200 - Variant is predicted to result in a missense amino acid change from lysine to asparagine. (I) 0251 - This variant is heterozygous. (I) 0301 - Variant is absent from gnomAD (both v2 and v3). (SP) 0501 - Missense variant consistently predicted to be damaging by multiple in silico tools or highly conserved with a major amino acid change. (SP) 0604 - Variant is not located in an established domain, motif, hotspot or informative constraint region. (I) 0705 - No comparable missense variants have previous evidence for pathogenicity. (I) 0808 - Previous reports of pathogenicity for this variant are conflicting. This variant has been identified in a HCM proband (PMID: 25351510) and has a VUS and likely pathogenic entry in ClinVar. (I) 0905 - No published segregation evidence has been identified for this variant. (I) 1007 - No published functional evidence has been identified for this variant. (I) Legend: (SP) - Supporting pathogenic, (I) - Information, (SB) - Supporting benign

Ambry Genetics
Classification: Uncertain significance for Cardiovascular phenotype. Last evaluated: 2021-11-18. Review status: criteria provided, single submitter. Criteria: Ambry Variant Classification Scheme 2023. Collection method: clinical testing. Allele origin: germline.
Comment: The p.K38N variant (also known as c.114A>T), located in coding exon 4 of the TNNI3 gene, results from an A to T substitution at nucleotide position 114. The lysine at codon 38 is replaced by asparagine, an amino acid with similar properties. This alteration has been reported in a hypertrophic cardiomyopathy (HCM) cohort; however, clinical details were limited (Lopes LR et al. Heart, 2015 Feb;101:294-301). This amino acid position is highly conserved in available vertebrate species. In addition, the in silico prediction for this alteration is inconclusive. Since supporting evidence is limited at this time, the clinical significance of this alteration remains unclear.

CHEO Genetics Diagnostic Laboratory, Children's Hospital of Eastern Ontario
Classification: Uncertain significance for Cardiomyopathy. Last evaluated: 2021-10-22. Review status: criteria provided, single submitter. Criteria: ACMG Guidelines, 2015. Collection method: clinical testing. Allele origin: germline.

GeneDx
Classification: Likely pathogenic. Last evaluated: 2012-09-12. Review status: criteria provided, single submitter. Criteria: GeneDx Variant Classification (06012015). Collection method: clinical testing. Allele origin: germline. Affected: yes.
Comment: The Lys38Asn variant in the TNNI3 gene has not been reported as a disease-causing mutation or as a benign polymorphism to our knowledge. Lys38Asn results in a non-conservative amino acid substitution of positively charged Lysine with a neutral, polar Asparagine at a position that is conserved across species. A mutation in a nearby residue (Lys36Gln) has been reported in association with DCM, supporting the functional importance of this region of the protein. In addition, Carballo et al. note Lys36 is the first of three Lysine residues, including Lys38, and the loss of a positive charge resulted in reduced interaction with the calcium binding site of troponin C. Furthermore, the NHLBI ESP Exome Variant Server reports Lys38Asn was not observed in approximately 6,000 samples from individuals of European and African American backgrounds, indicating it is not a common benign variant in these populations.In summary, the Lys38Asn variant in the TNNI3 gene is likely a mutation, however the possibility it is a rare benign variant cannot be excluded. The variant is found in DCM panel(s).

Literature cited by the submitters: PubMed 25351510 (cited by 3 submitters); PubMed 15070570 (cited by Victorian Clinical Genetics Services, Murdoch Childrens Research Institute); PubMed 15607392 (cited by Victorian Clinical Genetics Services, Murdoch Childrens Research Institute); PubMed 19590045 (cited by Victorian Clinical Genetics Services, Murdoch Childrens Research Institute); PubMed 19914256 (cited by Victorian Clinical Genetics Services, Murdoch Childrens Research Institute); PubMed 21533915 (cited by Victorian Clinical Genetics Services, Murdoch Childrens Research Institute); PubMed 23270746 (cited by Victorian Clinical Genetics Services, Murdoch Childrens Research Institute); PubMed 31589614 (cited by Victorian Clinical Genetics Services, Murdoch Childrens Research Institute).